The following is an entry in ClinVar:

ClinVar aggregate classification (germline): Conflicting classifications of pathogenicity. Review status: criteria provided, conflicting classifications (1 of 4 stars). 3 submissions from 3 submitters: Uncertain significance (1); Benign (2). Last evaluated 2023-04-19.

Allele frequency attached by ClinVar (database versions not stated): gnomAD 0.00147 and 0.00157; TOPMed 0.00160; ESP Exome Variant Server 0.00211; gnomAD exomes 0.00146 and 0.00268; 1000 Genomes Project 30x 0.00062; 1000 Genomes Project 0.00060; ExAC 0.00146.
gnomAD v4.1: 4,097 of 1,611,326 alleles (0.25%); highest among the groups gnomAD compares: Non-Finnish European, 0.31%; 6 homozygotes.

Submissions (3):

Mayo Clinic Laboratories, Mayo Clinic
Classification: Benign. Last evaluated: 2023-04-19. Review status: criteria provided, single submitter. Criteria: ACMG Guidelines, 2015. Collection method: clinical testing. Allele origin: germline. Observed: 4 variant alleles.
Comment: BS1, BS2, BP4, BP7

Labcorp Genetics (formerly Invitae), Labcorp
Classification: Benign. Last evaluated: 2019-12-31. Review status: criteria provided, single submitter. Criteria: Invitae Variant Classification Sherloc (09022015). Collection method: clinical testing. Allele origin: germline.

Genomic Diagnostic Laboratory, Division of Genomic Diagnostics, Children's Hospital of Philadelphia
Classification: Uncertain significance. Last evaluated: 2015-11-06. Review status: criteria provided, single submitter. Criteria: DGD Variant Analysis Guidelines. Collection method: clinical testing. Allele origin: unknown.

NM_007098.4(CLTCL1):c.3874-4C>G

Gene: CLTCL1 (clathrin heavy chain like 1; minus strand). Cytogenetic location: 22q11.21.
Variant type: single nucleotide variant.
Coding change: c.3874-4C>G on transcript NM_007098.4 (MANE Select); 4 bases into the intron before coding-DNA position 3874, C replaced by G.
Molecular consequence: intron variant.
Genome position (GRCh38, 1-based): chr22:19,196,660, G>C on the plus strand (C>G on the coding strand, the complement: CLTCL1 is on the minus strand). VCF-style: chr22-19196660-G-C. GRCh37 (hg19) VCF-style: chr22-19184171-G-C.
Other names: p.?; c.3874-4C>G (NM_001835.4).
Identifiers: ClinVar variation 252673 (VCV000252673.7), dbSNP rs184612047, ClinGen allele CA10097922.